The following is an entry in ClinVar:

ClinVar aggregate classification (germline): Uncertain significance. Review status: criteria provided, multiple submitters, no conflicts (2 of 4 stars). 2 submissions from 2 submitters: Uncertain significance (2). Last evaluated 2025-03-11.

Conditions:
Inborn genetic diseases. Identifiers: MedGen C0950123, MeSH D030342.

gnomAD v4.1: 102 of 1,614,066 alleles (0.0063%); highest among the groups gnomAD compares: Non-Finnish European, 0.0085%; no homozygotes.

Submissions (2):

Labcorp Genetics (formerly Invitae), Labcorp
Classification: Uncertain significance. Last evaluated: 2025-03-11. Review status: criteria provided, single submitter. Criteria: Invitae Variant Classification Sherloc (09022015). Collection method: clinical testing. Allele origin: germline.
Comment: This sequence change replaces asparagine, which is neutral and polar, with isoleucine, which is neutral and non-polar, at codon 38 of the LRP6 protein (p.Asn38Ile). This variant is present in population databases (rs138911001, gnomAD 0.004%). This variant has not been reported in the literature in individuals affected with LRP6-related conditions. ClinVar contains an entry for this variant (Variation ID: 2618205). An algorithm developed to predict the effect of missense changes on protein structure and function (PolyPhen-2) suggests that this variant is likely to be tolerated. In summary, the available evidence is currently insufficient to determine the role of this variant in disease. Therefore, it has been classified as a Variant of Uncertain Significance.

Ambry Genetics
Classification: Uncertain significance for Inborn genetic diseases. Last evaluated: 2023-08-14. Review status: criteria provided, single submitter. Criteria: Ambry Variant Classification Scheme 2023. Collection method: clinical testing. Allele origin: germline.

NM_002336.3(LRP6):c.113A>T (p.Asn38Ile)

Gene: LRP6 (LDL receptor related protein 6; minus strand). Cytogenetic location: 12p13.2.
Variant type: single nucleotide variant.
Coding change: c.113A>T on transcript NM_002336.3 (MANE Select); coding-DNA position 113, A replaced by T.
Protein change: p.Asn38Ile; replaces asparagine 38 with isoleucine.
Molecular consequence: missense variant. On other transcripts: 5 prime UTR variant (2), non-coding transcript variant (1), intron variant (1).
Genome position (GRCh38, 1-based): chr12:12,244,598, T>A on the plus strand (A>T on the coding strand, the complement: LRP6 is on the minus strand). VCF-style: chr12-12244598-T-A. GRCh37 (hg19) VCF-style: chr12-12397532-T-A.
Other names: c.113A>T, p.Asn38Ile (NM_001414244.1, NM_001414245.1, NM_001414246.1 and 6 more transcripts); c.-341A>T (NM_001414253.1); c.-337A>T (NM_001414254.1); c.-5+22083A>T (NM_001414252.1); short protein forms N38I.
Identifiers: ClinVar variation 2618205 (VCV002618205.3), dbSNP rs138911001, ClinGen allele CA6455937.